The following is an entry in ClinVar:

ClinVar aggregate classification (germline): Benign/Likely benign. Review status: criteria provided, multiple submitters, no conflicts (2 of 4 stars). 5 submissions from 5 submitters: Benign (3); Likely benign (2). Last evaluated 2026-05-01.

Conditions:
Lissencephaly 9 with complex brainstem malformation. Identifiers: Orphanet 572013, MedGen C5193029, MONDO:0032677, OMIM 618325.

Allele frequency attached by ClinVar (database versions not stated): gnomAD 0.00088 and 0.00116; ESP Exome Variant Server 0.00100; TOPMed 0.00100; 1000 Genomes Project 30x 0.00125; 1000 Genomes Project 0.00160; gnomAD exomes 0.00176 and 0.00236; ExAC 0.00253.
gnomAD v4.1: 2,788 of 1,613,950 alleles (0.17%); highest among the groups gnomAD compares: South Asian, 1.1%; 29 homozygotes.

Submissions (5):

CeGaT Center for Human Genetics Tuebingen
Classification: Benign. Last evaluated: 2026-05-01. Review status: criteria provided, single submitter. Criteria: CeGaT Center For Human Genetics Tuebingen Variant Classification Criteria Version 2. Collection method: clinical testing. Allele origin: germline. Affected: yes. Observed: 10 variant alleles.
Comment: MACF1: BP4, BS1, BS2

Labcorp Genetics (formerly Invitae), Labcorp
Classification: Benign. Last evaluated: 2026-01-05. Review status: criteria provided, single submitter. Criteria: Invitae Variant Classification Sherloc (09022015). Collection method: clinical testing. Allele origin: germline.

Genome-Nilou Lab
Classification: Benign for Lissencephaly 9 with complex brainstem malformation. Last evaluated: 2023-04-11. Review status: criteria provided, single submitter. Criteria: ACMG Guidelines, 2015. Collection method: clinical testing. Allele origin: germline. Affected: no.

Fulgent Genetics
Classification: Likely benign for Lissencephaly 9 with complex brainstem malformation. Last evaluated: 2021-11-29. Review status: criteria provided, single submitter. Criteria: ACMG Guidelines, 2015. Collection method: clinical testing. Allele origin: unknown.

Breakthrough Genomics
Classification: Likely benign. Review status: criteria provided, single submitter. Criteria: ACMG Guidelines, 2015. Collection method: not provided. Allele origin: germline. Inheritance: Autosomal dominant inheritance. Affected: yes.

NM_001394062.1(MACF1):c.13145A>G (p.Asn4382Ser)

Gene: MACF1 (microtubule actin crosslinking factor 1; plus strand). Cytogenetic location: 1p34.3.
Variant type: single nucleotide variant.
Coding change: c.13145A>G on transcript NM_001394062.1 (MANE Select); coding-DNA position 13145, A replaced by G.
Protein change: p.Asn4382Ser; replaces asparagine 4382 with serine.
Molecular consequence: missense variant.
Genome position (GRCh38, 1-based): chr1:39,372,528, A>G. VCF-style: chr1-39372528-A-G. GRCh37 (hg19) VCF-style: chr1-39838200-A-G.
Other names: c.6959A>G, p.Asn2320Ser (NM_012090.5); short protein forms N2320S, N4382S.
Identifiers: ClinVar variation 1675358 (VCV001675358.40), dbSNP rs148069432, ClinGen allele CA781968.
Genomic context (GRCh38, chr1:39,372,528, plus strand): 5'-TCTTTAAACAGAGTCTACTAGATGACTGGGCAAGTAAGGGAACTCTGGTGGAAGAAATCA[A>G]TTGCAAAGGTACTTCTTTAGAAAATCTCATCATGGAAATCACAGCACCTGATTCCCAAGG-3'
Protein context (NP_001380991.1, residues 4372-4392): ASKGTLVEEI[Asn4382Ser]CKGTSLENLI